The following is an entry in ClinVar:

NM_001035.3(RYR2):c.9310A>G (p.Met3104Val)

Gene: RYR2 (ryanodine receptor 2; plus strand). Cytogenetic location: 1q43.
Variant type: single nucleotide variant.
Coding change: c.9310A>G on transcript NM_001035.3 (MANE Select); coding-DNA position 9310, A replaced by G.
Protein change: p.Met3104Val; replaces methionine 3104 with valine.
Molecular consequence: missense variant.
Genome position (GRCh38, 1-based): chr1:237,700,410, A>G. VCF-style: chr1-237700410-A-G. GRCh37 (hg19) VCF-style: chr1-237863710-A-G.
Other names: short protein forms M3104V.
Identifiers: ClinVar variation 921871 (VCV000921871.7), dbSNP rs1289777181, ClinGen allele CA345406141.

ClinVar aggregate classification (germline): Uncertain significance. Review status: criteria provided, multiple submitters, no conflicts (2 of 4 stars). 3 submissions from 3 submitters: Uncertain significance (3). Last evaluated 2025-08-09.

Conditions:
Catecholaminergic polymorphic ventricular tachycardia (CVPT). Also called: Catecholamine-induced polymorphic ventricular tachycardia. Identifiers: Orphanet 3286, MedGen C5574922, MONDO:0017990.
Cardiomyopathy (CMYO). Also called: Cardiomyopathies. Identifiers: Orphanet 167848, MedGen C0878544, MONDO:0004994, HP:0001638. Inheritance: Various modes of inheritance.
Catecholaminergic polymorphic ventricular tachycardia 1. Also called: VENTRICULAR TACHYCARDIA, CATECHOLAMINERGIC POLYMORPHIC, 1, WITH OR WITHOUT ATRIAL DYSFUNCTION AND/OR DILATED CARDIOMYOPATHY; RYR2-Related Catecholaminergic Polymorphic Ventricular Tachycardia; VENTRICULAR TACHYCARDIA, STRESS-INDUCED POLYMORPHIC 1. Identifiers: Orphanet 3286, MedGen C1631597, MONDO:0011484, OMIM 604772.

Allele frequency attached by ClinVar (database versions not stated): gnomAD exomes below 0.00001; TOPMed below 0.00001.
gnomAD v4.1: 6 of 1,610,372 alleles (0.00037%); highest among the groups gnomAD compares: African/African-American, 0.0027%; no homozygotes.

Submissions (3):

Labcorp Genetics (formerly Invitae), Labcorp
Classification: Uncertain significance for Catecholaminergic polymorphic ventricular tachycardia 1. Last evaluated: 2025-08-09. Review status: criteria provided, single submitter. Criteria: Invitae Variant Classification Sherloc (09022015). Collection method: clinical testing. Allele origin: germline.
Comment: This sequence change replaces methionine, which is neutral and non-polar, with valine, which is neutral and non-polar, at codon 3104 of the RYR2 protein (p.Met3104Val). This variant is not present in population databases (gnomAD no frequency). This variant has not been reported in the literature in individuals affected with RYR2-related conditions. ClinVar contains an entry for this variant (Variation ID: 921871). Invitae Evidence Modeling of protein sequence and biophysical properties (such as structural, functional, and spatial information, amino acid conservation, physicochemical variation, residue mobility, and thermodynamic stability) indicates that this missense variant is not expected to disrupt RYR2 protein function with a negative predictive value of 95%. In summary, the available evidence is currently insufficient to determine the role of this variant in disease. Therefore, it has been classified as a Variant of Uncertain Significance.

All of Us Research Program, National Institutes of Health
Classification: Uncertain significance for Catecholaminergic polymorphic ventricular tachycardia. Last evaluated: 2024-02-22. Review status: criteria provided, single submitter. Criteria: ACMG Guidelines, 2015. Collection method: clinical testing. Allele origin: germline. Inheritance: Autosomal dominant inheritance. Observed: 1 variant allele, 1 heterozygote.
Comment: This missense variant replaces methionine with valine at codon 3104 of the RYR2 protein. Computational prediction suggests that this variant may not impact protein structure and function (internally defined REVEL score threshold <= 0.5, PMID: 27666373). To our knowledge, functional studies have not been reported for this variant. This variant has not been reported in individuals affected with cardiovascular disorders in the literature. This variant has not been identified in the general population by the Genome Aggregation Database (gnomAD). The available evidence is insufficient to determine the role of this variant in disease conclusively. Therefore, this variant is classified as a Variant of Uncertain Significance.

This study involves interpretation of variants in research participants for the purpose of population health screening. Participant phenotype was not available at the time of variant classification. Additional details can be found in publication PMID: 35346344, PMCID: PMC8962531

Color Diagnostics, LLC DBA Color Health
Classification: Uncertain significance for Cardiomyopathy. Last evaluated: 2024-02-05. Review status: criteria provided, single submitter. Criteria: ACMG Guidelines, 2015. Collection method: clinical testing. Allele origin: germline.
Comment: This missense variant replaces methionine with valine at codon 3104 of the RYR2 protein. Computational prediction suggests that this variant may not impact protein structure and function (internally defined REVEL score threshold <= 0.5, PMID: 27666373). To our knowledge, functional studies have not been reported for this variant. This variant has not been reported in individuals affected with cardiovascular disorders in the literature. This variant has not been identified in the general population by the Genome Aggregation Database (gnomAD). The available evidence is insufficient to determine the role of this variant in disease conclusively. Therefore, this variant is classified as a Variant of Uncertain Significance.